The following is an entry in ClinVar:

NM_000712.4(BLVRA):c.68G>A (p.Arg23Gln)

Gene: BLVRA (biliverdin reductase A; plus strand). Cytogenetic location: 7p13.
Variant type: single nucleotide variant.
Coding change: c.68G>A on transcript NM_000712.4 (MANE Select); coding-DNA position 68, G replaced by A.
Protein change: p.Arg23Gln; replaces arginine 23 with glutamine.
Molecular consequence: missense variant.
Genome position (GRCh38, 1-based): chr7:43,787,959, G>A. VCF-style: chr7-43787959-G-A. GRCh37 (hg19) VCF-style: chr7-43827558-G-A.
Other names: c.68G>A (NM_000712.3); c.68G>A, p.Arg23Gln (NM_001253823.2); short protein forms R23Q.
Identifiers: ClinVar variation 2965867 (VCV002965867.4), dbSNP rs1261645202, ClinGen allele CA367335636.

ClinVar aggregate classification (germline): Uncertain significance. Review status: criteria provided, multiple submitters, no conflicts (2 of 4 stars). 2 submissions from 2 submitters: Uncertain significance (2). Last evaluated 2026-04-16.

Conditions:
BLVRA-related disorder. Also called: BLVRA-related condition.

Allele frequency attached by ClinVar (database versions not stated): gnomAD exomes below 0.00001; gnomAD 0.00001; TOPMed 0.00002.
gnomAD v4.1: 9 of 1,614,066 alleles (0.00056%); highest among the groups gnomAD compares: East Asian, 0.0022%; no homozygotes.

Submissions (2):

PreventionGenetics, part of Exact Sciences
Classification: Uncertain significance for BLVRA-related condition. Last evaluated: 2026-04-16. Review status: criteria provided, single submitter. Criteria: ACMG Guidelines, 2015. Collection method: clinical testing. Allele origin: germline.
Comment: The BLVRA c.68G>A variant is predicted to result in the amino acid substitution p.Arg23Gln. To our knowledge, this variant has not been reported in the literature or in a large population database (gnomAD), indicating this variant is rare. At this time, the clinical significance of this variant is uncertain due to the absence of conclusive functional and genetic evidence.

Labcorp Genetics (formerly Invitae), Labcorp
Classification: Uncertain significance. Last evaluated: 2024-01-20. Review status: criteria provided, single submitter. Criteria: Invitae Variant Classification Sherloc (09022015). Collection method: clinical testing. Allele origin: germline.
Comment: This sequence change replaces arginine, which is basic and polar, with glutamine, which is neutral and polar, at codon 23 of the BLVRA protein (p.Arg23Gln). This variant is not present in population databases (gnomAD no frequency). This variant has not been reported in the literature in individuals affected with BLVRA-related conditions. An algorithm developed to predict the effect of missense changes on protein structure and function (PolyPhen-2) suggests that this variant is likely to be disruptive. In summary, the available evidence is currently insufficient to determine the role of this variant in disease. Therefore, it has been classified as a Variant of Uncertain Significance.